The following is an entry in ClinVar:

NM_000785.4(CYP27B1):c.240del (p.Phe80fs)

Gene: CYP27B1 (cytochrome P450 family 27 subfamily B member 1; minus strand). Cytogenetic location: 12q14.1.
Variant type: Deletion.
Coding change: c.240del on transcript NM_000785.4 (MANE Select); coding-DNA position 240, one base deleted (T; older notation c.240delT).
Protein change: p.Phe80fs; shifts the reading frame from phenylalanine 80.
Molecular consequence: frameshift variant.
Genome position (GRCh38, 1-based): chr12:57,766,153, A deleted on the plus strand (T on the coding strand, the reverse complement: CYP27B1 is on the minus strand); the first of 3 consecutive A bases (chr12:57,766,153-57,766,155); deleting any one gives the same sequence. VCF-style (leftmost placement, unchanged base first): chr12-57766152-CA-C. GRCh37 (hg19) VCF-style: chr12-58159935-CA-C.
Other names: short protein forms F80fs.
Identifiers: ClinVar variation 4884796 (VCV004884796.1).
Genomic context (GRCh38, chr12:57,766,152, plus strand): 5'-CCTGTCGCAGCAGCTCCTCGACGAGTGCAGGGGCAGCCACGTACACGGTGCGCACTGTCC[CA>C]AAGCTGGCTAGCCACACCGGCCCGAAGTGCGCGGCGCCCTGCACCTGGGGGAGCGGACAC-3'

ClinVar aggregate classification (germline): Likely pathogenic (0 of 4 stars; one submission).

Conditions:
Vitamin D-dependent rickets, type 1A. Also called: VITAMIN D HYDROXYLATION-DEFICIENT RICKETS, TYPE 1A; PDDR IA; PSEUDOVITAMIN D-DEFICIENCY RICKETS, TYPE IA. Identifiers: MedGen CN283242, MONDO:0020723, OMIM 264700.

Submission:

Hong-Tao Li Lab, Institute of Brain Science and Brain-inspired Research, Shandong First Medical University & Shandong Academy of Medical Sciences China
Classification: Likely pathogenic for Vitamin D-dependent rickets, type 1A. Review status: no assertion criteria provided. Collection method: research. Allele origin: germline. Inheritance: Autosomal recessive inheritance. Affected: yes. Observed: 1 variant allele, 1 homozygote.
Comment: Observed in affected individuals from a Pakistani neurodevelopmental-disorder research cohort of 263 individuals. Classification assigned using the ACMG/AMP framework. Population-frequency evidence: gnomAD AF 6.985e-06.